The following is an entry in ClinVar:

ClinVar aggregate classification (germline): Uncertain significance (1 of 4 stars; one submission).

Conditions:
Ichthyosis linearis circumflexa. Identifiers: MedGen C0265962, MONDO:0043106, HP:0025810.

Submission:

Labcorp Genetics (formerly Invitae), Labcorp
Classification: Uncertain significance for Ichthyosis linearis circumflexa. Last evaluated: 2022-03-18. Review status: criteria provided, single submitter. Criteria: Invitae Variant Classification Sherloc (09022015). Collection method: clinical testing. Allele origin: germline.
Comment: This sequence change replaces glutamic acid, which is acidic and polar, with glutamine, which is neutral and polar, at codon 541 of the SPINK5 protein (p.Glu541Gln). This variant is not present in population databases (gnomAD no frequency). This variant has not been reported in the literature in individuals affected with SPINK5-related conditions. Algorithms developed to predict the effect of missense changes on protein structure and function are either unavailable or do not agree on the potential impact of this missense change (SIFT: "Deleterious"; PolyPhen-2: "Probably Damaging"; Align-GVGD: "Class C0"). In summary, the available evidence is currently insufficient to determine the role of this variant in disease. Therefore, it has been classified as a Variant of Uncertain Significance.

NM_006846.4(SPINK5):c.1621G>C (p.Glu541Gln)

Gene: SPINK5 (serine peptidase inhibitor Kazal type 5; plus strand). Cytogenetic location: 5q32.
Variant type: single nucleotide variant.
Coding change: c.1621G>C on transcript NM_006846.4 (MANE Select); coding-DNA position 1621, G replaced by C.
Protein change: p.Glu541Gln; replaces glutamic acid 541 with glutamine.
Molecular consequence: missense variant.
Genome position (GRCh38, 1-based): chr5:148,108,766, G>C. VCF-style: chr5-148108766-G-C. GRCh37 (hg19) VCF-style: chr5-147488329-G-C.
Other names: c.1621G>C, p.Glu541Gln (NM_001127698.2, NM_001127699.2); short protein forms E541Q.
Identifiers: ClinVar variation 1974371 (VCV001974371.5), dbSNP rs1014654402, ClinGen allele CA128924874.